The following is an entry in ClinVar:

ClinVar aggregate classification (germline): Pathogenic (1 of 4 stars; one submission).

Conditions:
Combined immunodeficiency due to LRBA deficiency. Also called: Common variable immunodeficiency 8, with autoimmunity. Identifiers: Orphanet 445018, MedGen C3553512, MONDO:0013863, OMIM 614700.

Submission:

3billion
Classification: Pathogenic for Combined immunodeficiency due to LRBA deficiency. Last evaluated: 2022-05-22. Review status: criteria provided, single submitter. Criteria: ACMG Guidelines, 2015. Collection method: clinical testing. Allele origin: germline. Affected: yes. Observed: 1 homozygote.
Comment: The variant is not observed in the gnomAD v2.1.1 dataset. Frameshift: predicted to result in a loss or disruption of normal protein function through nonsense-mediated decay (NMD) or protein truncation. Multiple pathogenic variants are reported downstream of the variant. The variant has been reported to be associated with LRBA related disorder (PMID: 33481921). Therefore, this variant is classified as pathogenic according to the recommendation of ACMG/AMP guideline.

Literature cited by the submitters: PubMed 33481921.

NM_001364905.1(LRBA):c.534del (p.Asp179fs)

Gene: LRBA (LPS responsive beige-like anchor protein; minus strand). Cytogenetic location: 4q31.3.
Variant type: Deletion.
Coding change: c.534del on transcript NM_001364905.1 (MANE Select); coding-DNA position 534, one base deleted (A; older notation c.534delA).
Protein change: p.Asp179fs; shifts the reading frame from aspartic acid 179.
Molecular consequence: frameshift variant.
Genome position (GRCh38, 1-based): chr4:150,928,531, T deleted on the plus strand (A on the coding strand, the reverse complement: LRBA is on the minus strand). VCF-style (leftmost placement, unchanged base first): chr4-150928530-CT-C. GRCh37 (hg19) VCF-style: chr4-151849682-CT-C.
Other names: c.534delA, p.Asp179Ilefs (NM_001199282.3, NM_006726.5); c.534del, p.Asp179fs (NM_001367550.1); short protein forms D179fs.
Identifiers: ClinVar variation 1687335 (VCV001687335.1), dbSNP rs2149508258, ClinGen allele CA2573138105.